The following is an entry in ClinVar:

ClinVar aggregate classification (germline): Pathogenic/Likely pathogenic. Review status: criteria provided, multiple submitters, no conflicts (2 of 4 stars). 3 submissions from 3 submitters: Pathogenic (1); Likely pathogenic (2). Last evaluated 2026-02-10.

Conditions:
CEP164-related disorder. Also called: CEP164-related condition.
Nephronophthisis 15 (NPHP15). Identifiers: Orphanet 3156, MedGen C3541853, MONDO:0013917, OMIM 614845.

Allele frequency attached by ClinVar (database versions not stated): TOPMed below 0.00001; gnomAD 0.00001; ExAC 0.00002.
gnomAD v4.1: 15 of 1,613,296 alleles (0.00093%); highest among the groups gnomAD compares: East Asian, 0.0045%; no homozygotes.

Submissions (3):

PreventionGenetics, part of Exact Sciences
Classification: Likely pathogenic for CEP164-related condition. Last evaluated: 2026-02-10. Review status: criteria provided, single submitter. Criteria: ACMG Guidelines, 2015. Collection method: clinical testing. Allele origin: germline.
Comment: The CEP164 c.151C>T variant is predicted to result in premature protein termination (p.Arg51*). This variant was reported in the heterozygous state in an individual with nephronophthisis-related ciliopathy, but the second plausibly pathogenic variant was not found (Stokman et al. 2018. PubMed ID: 29974258). Of note, a more 5' (upstream) frameshift variant, defined as c.-2_7delTCATGGCTG, was reported in the compound heterozygous state with a likely pathogenic missense variant c.277C>T (p.Arg93Trp) in an infant with Senior‐Loken syndrome (reported as c.6_‐3delGTCATGGCT in Liu et al. 2023. PubMed ID: 37324592). The c.151C>T (p.Arg51*) variant is reported in 0.0055% of alleles in individuals of East Asian descent in gnomAD. Nonsense variants in CEP164 are expected to be pathogenic. This variant is interpreted as likely pathogenic.

Labcorp Genetics (formerly Invitae), Labcorp
Classification: Pathogenic for Nephronophthisis 15. Last evaluated: 2024-09-05. Review status: criteria provided, single submitter. Criteria: Invitae Variant Classification Sherloc (09022015). Collection method: clinical testing. Allele origin: germline.
Comment: This sequence change creates a premature translational stop signal (p.Arg51*) in the CEP164 gene. It is expected to result in an absent or disrupted protein product. Loss-of-function variants in CEP164 are known to be pathogenic (PMID: 22863007, 28125082, 32367404, 34132027, 34499853). This variant is present in population databases (rs767138852, gnomAD 0.006%). This premature translational stop signal has been observed in individual(s) with CEP164-related conditions (PMID: 29974258). ClinVar contains an entry for this variant (Variation ID: 2149171). For these reasons, this variant has been classified as Pathogenic.

Blueprint Genetics
Classification: Likely pathogenic for CEP164-related disorders. Last evaluated: 2024-01-12. Review status: criteria provided, single submitter. Criteria: ACMG Guidelines, 2015. Collection method: clinical testing. Allele origin: germline. Affected: yes. Observed: 4 variant alleles.

Literature cited by the submitters: PubMed 22863007 (cited by Labcorp Genetics (formerly Invitae), Labcorp); PubMed 28125082 (cited by Labcorp Genetics (formerly Invitae), Labcorp); PubMed 32367404 (cited by Labcorp Genetics (formerly Invitae), Labcorp); PubMed 34132027 (cited by Labcorp Genetics (formerly Invitae), Labcorp); PubMed 34499853 (cited by Labcorp Genetics (formerly Invitae), Labcorp); PubMed 29974258 (cited by Labcorp Genetics (formerly Invitae), Labcorp).

NM_014956.5(CEP164):c.151C>T (p.Arg51Ter)

Gene: CEP164 (centrosomal protein 164; plus strand). Cytogenetic location: 11q23.3.
Variant type: single nucleotide variant.
Coding change: c.151C>T on transcript NM_014956.5 (MANE Select); coding-DNA position 151, C replaced by T.
Protein change: p.Arg51Ter; replaces arginine 51 with a stop codon.
Molecular consequence: nonsense.
Genome position (GRCh38, 1-based): chr11:117,344,234, C>T. VCF-style: chr11-117344234-C-T. GRCh37 (hg19) VCF-style: chr11-117214950-C-T.
Other names: c.151C>T, p.Arg51Ter (NM_001271933.2); c.151C>T (NM_014956.4); short protein forms R51*.
Identifiers: ClinVar variation 2149171 (VCV002149171.6), dbSNP rs767138852, ClinGen allele CA6294335.
Genomic context (GRCh38, chr11:117,344,234, plus strand): 5'-GAATTTGCCCGGGAGATTGGTATTGATCCCATCAAGGAACCAGAACTGATGTGGCTGGCG[C>T]GAGAGGGCATCGTGGCCCCACTGCCTGGAGAGTGGAAACCATGGTAAGTCAGCAGGGGGT-3'